The following is an entry in ClinVar:

ClinVar aggregate classification (germline): Uncertain significance. Review status: criteria provided, multiple submitters, no conflicts (2 of 4 stars). 3 submissions from 3 submitters: Uncertain significance (2). 1 of the submissions does not count toward it. Last evaluated 2025-03-01.

Conditions:
Retinal dystrophy. Also called: Inherited retinal dystrophy. Identifiers: Orphanet 71862, MedGen C0854723, MeSH D058499, MONDO:0019118, HP:0000556.

gnomAD v4.1: 5 of 1,614,144 alleles (0.00031%); highest among the groups gnomAD compares: Admixed American, 0.0017%; no homozygotes.

Submissions (3):

CeGaT Center for Human Genetics Tuebingen
Classification: Uncertain significance. Last evaluated: 2025-03-01. Review status: criteria provided, single submitter. Criteria: CeGaT Center For Human Genetics Tuebingen Variant Classification Criteria Version 2. Collection method: clinical testing. Allele origin: germline. Affected: yes. Observed: 2 variant alleles.
Comment: PCARE: PM2, BP4

Blueprint Genetics
Classification: Uncertain significance. Last evaluated: 2024-02-09. Review status: criteria provided, single submitter. Criteria: ACMG Guidelines, 2015. Collection method: clinical testing. Allele origin: germline.

Institute of Human Genetics, Univ. Regensburg, Univ. Regensburg
Classification: Uncertain significance for Retinal dystrophy. Last evaluated: 2019-01-01. Review status: no assertion criteria provided. Criteria: ACMG Guidelines, 2015. Collection method: clinical testing. Allele origin: germline. Affected: yes. Not counted in ClinVar's aggregate classification.

NM_001029883.3(PCARE):c.930G>C (p.Lys310Asn)

Gene: PCARE (photoreceptor cilium actin regulator; minus strand). Cytogenetic location: 2p23.2.
Variant type: single nucleotide variant.
Coding change: c.930G>C on transcript NM_001029883.3 (MANE Select); coding-DNA position 930, G replaced by C.
Protein change: p.Lys310Asn; replaces lysine 310 with asparagine.
Molecular consequence: missense variant.
Genome position (GRCh38, 1-based): chr2:29,073,332, C>G on the plus strand (G>C on the coding strand, the complement: PCARE is on the minus strand). VCF-style: chr2-29073332-C-G. GRCh37 (hg19) VCF-style: chr2-29296198-C-G.
Other names: short protein forms K310N.
Identifiers: ClinVar variation 3250195 (VCV003250195.18).
Genomic context (GRCh38, chr2:29,073,332, plus strand): 5'-GCTCTCTAGCTGCCTCAGAGCCCTCAGGAGGCGTTCATCCACATTCCTTTTTGTGCTCAG[C>G]TTATTTTCCAAGTGGGTTGCAGTGGAGTGGAGGTAGCTGCTGGAGCCCTCCAGGAAGCTG-3'
Protein context (NP_001025054.1, residues 300-320): LHSTATHLEN[Lys310Asn]LSTKRNVDER